The following is an entry in ClinVar:

NM_015404.4(WHRN):c.1072G>A (p.Asp358Asn)

Gene: WHRN (whirlin; minus strand). Cytogenetic location: 9q32.
Variant type: single nucleotide variant.
Coding change: c.1072G>A on transcript NM_015404.4 (MANE Select); coding-DNA position 1072, G replaced by A.
Protein change: p.Asp358Asn; replaces aspartic acid 358 with asparagine.
Molecular consequence: missense variant. On other transcripts: 5 prime UTR variant (1).
Genome position (GRCh38, 1-based): chr9:114,426,305, C>T on the plus strand (G>A on the coding strand, the complement: WHRN is on the minus strand). VCF-style: chr9-114426305-C-T. GRCh37 (hg19) VCF-style: chr9-117188585-C-T.
Other names: c.-78G>A (NM_001083885.3); c.1072G>A, p.Asp358Asn (NM_001173425.2); c.1072G>A (NM_015404.2); short protein forms D358N.
Identifiers: ClinVar variation 913731 (VCV000913731.11), dbSNP rs369521178, ClinGen allele CA5206089.
Genomic context (GRCh38, chr9:114,426,305, plus strand): 5'-AACTGGCGATCCACTTGGTCTCGTCCACAGTGGTGCGGGCATGGGGCAGCCTCCCGACGT[C>T]CTTCACTGTCAGGATGAGGTGCCGAGATGACTTAAGCAGCCTGACAGCCTCGTCGTGTAG-3'
Protein context (NP_056219.3, residues 348-368): SSRHLILTVK[Asp358Asn]VGRLPHARTT

ClinVar aggregate classification (germline): Uncertain significance. Review status: criteria provided, multiple submitters, no conflicts (2 of 4 stars). 4 submissions from 3 submitters: Uncertain significance (4). Last evaluated 2024-06-17.

Conditions:
Usher syndrome type 2D. Also called: USHER SYNDROME, TYPE IID. Identifiers: Orphanet 231178, Orphanet 886, MedGen C1568249, MONDO:0012662, OMIM 611383.
Autosomal recessive nonsyndromic hearing loss 31. Also called: WHIRLER, MOUSE, HOMOLOG OF. Identifiers: Orphanet 90636, MedGen C1846839, MONDO:0011767, OMIM 607084.

Allele frequency attached by ClinVar (database versions not stated): ExAC 0.00004; gnomAD exomes 0.00004 and 0.00010; TOPMed 0.00005; gnomAD 0.00006; ESP Exome Variant Server 0.00015.
gnomAD v4.1: 158 of 1,613,756 alleles (0.0098%); highest among the groups gnomAD compares: Non-Finnish European, 0.013%; no homozygotes.

Submissions (4):

GeneDx
Classification: Uncertain significance. Last evaluated: 2024-06-17. Review status: criteria provided, single submitter. Criteria: GeneDx Variant Classification Process June 2021. Collection method: clinical testing. Allele origin: germline. Affected: yes.
Comment: Not observed at significant frequency in large population cohorts (gnomAD); In silico analysis supports that this missense variant has a deleterious effect on protein structure/function; Has not been previously published as pathogenic or benign to our knowledge

Labcorp Genetics (formerly Invitae), Labcorp
Classification: Uncertain significance. Last evaluated: 2024-02-23. Review status: criteria provided, single submitter. Criteria: Invitae Variant Classification Sherloc (09022015). Collection method: clinical testing. Allele origin: germline.
Comment: This sequence change replaces aspartic acid, which is acidic and polar, with asparagine, which is neutral and polar, at codon 358 of the WHRN protein (p.Asp358Asn). This variant is present in population databases (rs369521178, gnomAD 0.007%). This variant has not been reported in the literature in individuals affected with WHRN-related conditions. ClinVar contains an entry for this variant (Variation ID: 913731). An algorithm developed to predict the effect of missense changes on protein structure and function (PolyPhen-2) suggests that this variant is likely to be disruptive. In summary, the available evidence is currently insufficient to determine the role of this variant in disease. Therefore, it has been classified as a Variant of Uncertain Significance.

Illumina Laboratory Services, Illumina
Classification: Uncertain significance for Autosomal recessive nonsyndromic hearing loss 31. Last evaluated: 2018-01-13. Review status: criteria provided, single submitter. Criteria: ICSL Variant Classification Criteria 13 December 2019. Collection method: clinical testing. Allele origin: germline.

Illumina Laboratory Services, Illumina
Classification: Uncertain significance for Usher syndrome type 2D. Last evaluated: 2018-01-13. Review status: criteria provided, single submitter. Criteria: ICSL Variant Classification Criteria 13 December 2019. Collection method: clinical testing. Allele origin: germline.